The following is an entry in ClinVar:

ClinVar aggregate classification (germline): Likely benign (1 of 4 stars; one submission).

Conditions:
PKD1-related disorder. Also called: PKD1-related condition.

gnomAD v4.1: 45 of 1,595,878 alleles (0.0028%); highest among the groups gnomAD compares: Middle Eastern, 0.045%; no homozygotes.

Submission:

PreventionGenetics, part of Exact Sciences
Classification: Likely benign for PKD1-related condition. Last evaluated: 2026-06-04. Review status: criteria provided, single submitter. Criteria: ACMG Guidelines, 2015. Collection method: clinical testing. Allele origin: germline.
Comment: This variant is classified as likely benign based on ACMG/AMP sequence variant interpretation guidelines (Richards et al. 2015 PMID: 25741868, with internal and published modifications).

NM_001009944.3(PKD1):c.2523C>T (p.Asn841=)

Gene: PKD1 (polycystin 1, transient receptor potential channel interacting; minus strand). Cytogenetic location: 16p13.3.
Variant type: single nucleotide variant.
Coding change: c.2523C>T on transcript NM_001009944.3 (MANE Select); coding-DNA position 2523, C replaced by T.
Protein change: p.Asn841=; no amino-acid change (asparagine 841 retained).
Molecular consequence: synonymous variant.
Genome position (GRCh38, 1-based): chr16:2,114,500, G>A on the plus strand (C>T on the coding strand, the complement: PKD1 is on the minus strand). VCF-style: chr16-2114500-G-A. GRCh37 (hg19) VCF-style: chr16-2164501-G-A.
Other names: c.2523C>T, p.Asn841= (NM_000296.4).
Identifiers: ClinVar variation 4980044 (VCV004980044.1).